The following is an entry in ClinVar:

ClinVar aggregate classification (germline): Uncertain significance. Review status: criteria provided, multiple submitters, no conflicts (2 of 4 stars). 4 submissions from 4 submitters: Uncertain significance (4). Last evaluated 2025-10-14.

Conditions:
Hypertrophic cardiomyopathy 10. Also called: MYL2-Related Familial Hypertrophic Cardiomyopathy; CARDIOMYOPATHY, HYPERTROPHIC, MID-LEFT VENTRICULAR CHAMBER TYPE, 2. Identifiers: MedGen C1834460, MONDO:0012112, OMIM 608758.
Cardiomyopathy (CMYO). Also called: Cardiomyopathies. Identifiers: Orphanet 167848, MedGen C0878544, MONDO:0004994, HP:0001638. Inheritance: Various modes of inheritance.
Cardiovascular phenotype. Identifiers: MedGen CN230736.

Allele frequency attached by ClinVar (database versions not stated): TOPMed 0.00001; ExAC 0.00002; ESP Exome Variant Server 0.00008.
gnomAD v4.1: 7 of 1,614,178 alleles (0.00043%); highest among the groups gnomAD compares: Admixed American, 0.0017%; no homozygotes.

Submissions (4):

Labcorp Genetics (formerly Invitae), Labcorp
Classification: Uncertain significance for Hypertrophic cardiomyopathy 10. Last evaluated: 2025-10-14. Review status: criteria provided, single submitter. Criteria: Invitae Variant Classification Sherloc (09022015). Collection method: clinical testing. Allele origin: germline.
Comment: This sequence change replaces alanine, which is neutral and non-polar, with threonine, which is neutral and polar, at codon 102 of the MYL2 protein (p.Ala102Thr). This variant is present in population databases (rs369868176, gnomAD 0.003%). This missense change has been observed in individual(s) with hypertrophic cardiomyopathy (PMID: 25524337, 37652022). ClinVar contains an entry for this variant (Variation ID: 626792). An algorithm developed to predict the effect of missense changes on protein structure and function (PolyPhen-2) suggests that this variant is likely to be disruptive. In summary, the available evidence is currently insufficient to determine the role of this variant in disease. Therefore, it has been classified as a Variant of Uncertain Significance.

GeneDx
Classification: Uncertain significance. Last evaluated: 2024-06-26. Review status: criteria provided, single submitter. Criteria: GeneDx Variant Classification Process June 2021. Collection method: clinical testing. Allele origin: germline. Affected: yes.
Comment: Not observed at significant frequency in large population cohorts (gnomAD); In silico analysis supports that this missense variant has a deleterious effect on protein structure/function; This variant is associated with the following publications: (PMID: 29687901, 37652022, 25524337, 30588760)

Ambry Genetics
Classification: Uncertain significance for Cardiovascular phenotype. Last evaluated: 2023-06-05. Review status: criteria provided, single submitter. Criteria: Ambry Variant Classification Scheme 2023. Collection method: clinical testing. Allele origin: germline.
Comment: The p.A102T variant (also known as c.304G>A), located in coding exon 5 of the MYL2 gene, results from a G to A substitution at nucleotide position 304. The alanine at codon 102 is replaced by threonine, an amino acid with similar properties. This variant has been detected in two individuals from hypertrophic cardiomyopathy cohorts; however, detail was limited in one case, and it co-occurred with an MYH7 variant in the second case (Coppini R et al. J. Am. Coll. Cardiol., 2014 Dec;64:2589-2600; Hershkovitz T et al. Am. J. Med. Genet. A, 2019 03;179:365-372). This amino acid position is highly conserved in available vertebrate species. In addition, this alteration is predicted to be deleterious by in silico analysis. Since supporting evidence is limited at this time, the clinical significance of this alteration remains unclear.

CHEO Genetics Diagnostic Laboratory, Children's Hospital of Eastern Ontario
Classification: Uncertain significance for Cardiomyopathy. Last evaluated: 2022-05-26. Review status: criteria provided, single submitter. Criteria: ACMG Guidelines, 2015. Collection method: clinical testing. Allele origin: germline. Study: Canadian Open Genetics Repository.

Literature cited by the submitters: PubMed 25524337 (cited by Labcorp Genetics (formerly Invitae), Labcorp and Ambry Genetics); PubMed 37652022 (cited by Labcorp Genetics (formerly Invitae), Labcorp); PubMed 30588760 (cited by Ambry Genetics).

NM_000432.4(MYL2):c.304G>A (p.Ala102Thr)

Gene: MYL2 (myosin light chain 2; minus strand). Cytogenetic location: 12q24.11.
Variant type: single nucleotide variant.
Coding change: c.304G>A on transcript NM_000432.4 (MANE Select); coding-DNA position 304, G replaced by A.
Protein change: p.Ala102Thr; replaces alanine 102 with threonine.
Molecular consequence: missense variant.
Genome position (GRCh38, 1-based): chr12:110,913,295, C>T on the plus strand (G>A on the coding strand, the complement: MYL2 is on the minus strand). VCF-style: chr12-110913295-C-T. GRCh37 (hg19) VCF-style: chr12-111351099-C-T.
Other names: short protein forms A102T.
Identifiers: ClinVar variation 626792 (VCV000626792.11), dbSNP rs369868176, ClinGen allele CA041489.
Genomic context (GRCh38, chr12:110,913,295, plus strand): 5'-ACCCCACTCACTAATCAGCCTTCAGCACCCCTTTGCCTTCAGGGTCAAACACTTTGAATG[C>T]GTTGAGAATGGTTTCCTCAGGGTCCGCTCCTGAAACGGAACACAGGGCTTACATGTACTG-3'
Protein context (NP_000423.2, residues 92-112): GADPEETILN[Ala102Thr]FKVFDPEGKG